The following is an entry in ClinVar:

ClinVar aggregate classification (germline): Likely benign (1 of 4 stars; one submission).

Conditions:
Breast-ovarian cancer, familial, susceptibility to, 2 (BROVCA2). Also called: BRCA2 Hereditary Breast and Ovarian Cancer. Identifiers: Orphanet 145, MedGen C2675520, MONDO:0012933, OMIM 612555. Disease mechanism: loss of function.

gnomAD v4.1: 1 of 1,587,408 alleles (0.000063%); highest among the groups gnomAD compares: South Asian, 0.0012%; no homozygotes.

Submission:

Cancer Bioinformatics and Tumour Evolution Laboratory, Monash University
Classification: Likely benign for Breast-ovarian cancer, familial, susceptibility to, 2. Last evaluated: 2026-05-01. Review status: criteria provided, single submitter. Criteria: ClinGen BRCA1 and BRCA2 Guidelines, 2024. Collection method: curation. Allele origin: germline. Inheritance: Autosomal dominant inheritance.
Comment: Missense variant outside of a functional domain with no splice impact. BRCA1 and BRCA2 VCEP guidelines recommend application of BP1_Strong (PMID: 39142283)

NM_000059.4(BRCA2):c.5095G>C (p.Asp1699His)

Gene: BRCA2 (BRCA2 DNA repair associated; plus strand). Cytogenetic location: 13q13.1.
Variant type: single nucleotide variant.
Coding change: c.5095G>C on transcript NM_000059.4 (MANE Select); coding-DNA position 5095, G replaced by C.
Protein change: p.Asp1699His; replaces aspartic acid 1699 with histidine.
Molecular consequence: missense variant. On other transcripts: non-coding transcript variant (1), intron variant (2).
Genome position (GRCh38, 1-based): chr13:32,339,450, G>C. VCF-style: chr13-32339450-G-C. GRCh37 (hg19) VCF-style: chr13-32913587-G-C.
Other names: c.5095G>C, p.Asp1699His (NM_001406719.1, NM_001406720.1, NM_001432077.1); c.1910-5108G>C (NM_001406721.1); c.425-5108G>C (NM_001406722.1); short protein forms D1699H.
Identifiers: ClinVar variation 4856435 (VCV004856435.1).